The following is an entry in ClinVar:

ClinVar aggregate classification (germline): Uncertain significance (1 of 4 stars; one submission).

Conditions:
Propionic acidemia (PROP). Also called: GLYCINEMIA, KETOTIC; HYPERGLYCINEMIA WITH KETOACIDOSIS AND LEUKOPENIA; KETOTIC HYPERGLYCINEMIA. Identifiers: Orphanet 35, MedGen C0268579, MONDO:0011628, OMIM 606054, HP:0003571.

gnomAD v4.1: 4 of 1,604,438 alleles (0.00025%); highest among the groups gnomAD compares: Non-Finnish European, 0.00034%; no homozygotes.

Submission:

Labcorp Genetics (formerly Invitae), Labcorp
Classification: Uncertain significance for Propionic acidemia. Last evaluated: 2021-11-07. Review status: criteria provided, single submitter. Criteria: Invitae Variant Classification Sherloc (09022015). Collection method: clinical testing. Allele origin: germline.
Comment: This sequence change replaces isoleucine, which is neutral and non-polar, with valine, which is neutral and non-polar, at codon 556 of the PCCA protein (p.Ile556Val). This variant is not present in population databases (gnomAD no frequency). This variant has not been reported in the literature in individuals affected with PCCA-related conditions. Advanced modeling of protein sequence and biophysical properties (such as structural, functional, and spatial information, amino acid conservation, physicochemical variation, residue mobility, and thermodynamic stability) performed at Invitae indicates that this missense variant is not expected to disrupt PCCA protein function. In summary, the available evidence is currently insufficient to determine the role of this variant in disease. Therefore, it has been classified as a Variant of Uncertain Significance.

NM_000282.4(PCCA):c.1666A>G (p.Ile556Val)

Gene: PCCA (propionyl-CoA carboxylase subunit alpha; plus strand). Cytogenetic location: 13q32.3.
Variant type: single nucleotide variant.
Coding change: c.1666A>G on transcript NM_000282.4 (MANE Select); coding-DNA position 1666, A replaced by G.
Protein change: p.Ile556Val; replaces isoleucine 556 with valine.
Molecular consequence: missense variant. On other transcripts: non-coding transcript variant (2).
Genome position (GRCh38, 1-based): chr13:100,368,494, A>G. VCF-style: chr13-100368494-A-G. GRCh37 (hg19) VCF-style: chr13-101020748-A-G.
Other names: c.1588A>G, p.Ile530Val (NM_001127692.3, NM_001352607.2); c.1666A>G, p.Ile556Val (NM_001178004.2, NM_001352605.2, NM_001352609.2); c.1522A>G, p.Ile508Val (NM_001352606.2); c.1444A>G, p.Ile482Val (NM_001352608.2); c.721A>G, p.Ile241Val (NM_001352610.2, NM_001352611.2); c.577A>G, p.Ile193Val (NM_001352612.2); short protein forms I556V, I241V, I482V, I508V, I530V, I193V.
Identifiers: ClinVar variation 1441389 (VCV001441389.3), dbSNP rs2152811800, ClinGen allele CA388698192.